The following is an entry in ClinVar:

NM_133433.4(NIPBL):c.2329C>A (p.Pro777Thr)

Gene: NIPBL (NIPBL cohesin loading factor; plus strand). Cytogenetic location: 5p13.2.
Variant type: single nucleotide variant.
Coding change: c.2329C>A on transcript NM_133433.4 (MANE Select); coding-DNA position 2329, C replaced by A.
Protein change: p.Pro777Thr; replaces proline 777 with threonine.
Molecular consequence: missense variant.
Genome position (GRCh38, 1-based): chr5:36,985,509, C>A. VCF-style: chr5-36985509-C-A. GRCh37 (hg19) VCF-style: chr5-36985611-C-A.
Other names: c.2329C>A, p.Pro777Thr (NM_015384.5); short protein forms P777T.
Identifiers: ClinVar variation 3369023 (VCV003369023.1).

ClinVar aggregate classification (germline): Uncertain significance (1 of 4 stars; one submission).

Submission:

GeneDx
Classification: Uncertain significance. Last evaluated: 2024-02-13. Review status: criteria provided, single submitter. Criteria: GeneDx Variant Classification Process June 2021. Collection method: clinical testing. Allele origin: germline. Affected: yes.
Comment: Not observed at significant frequency in large population cohorts (gnomAD); In silico analysis supports that this missense variant does not alter protein structure/function; Has not been previously published as pathogenic or benign to our knowledge